The following is an entry in ClinVar:

NM_000063.6(C2):c.1790del (p.Gly597fs)

Gene: C2 (complement C2; plus strand). Cytogenetic location: 6p21.33.
Variant type: Deletion.
Coding change: c.1790del on transcript NM_000063.6 (MANE Select); coding-DNA position 1790, one base deleted (G; older notation c.1790delG).
Protein change: p.Gly597fs; shifts the reading frame from glycine 597.
Molecular consequence: frameshift variant.
Genome position (GRCh38, 1-based): chr6:31,943,973, G deleted; the last of 2 consecutive G bases (chr6:31,943,972-31,943,973); deleting either gives the same sequence. VCF-style (leftmost placement, unchanged base first): chr6-31943971-AG-A. GRCh37 (hg19) VCF-style: chr6-31911748-AG-A.
Other names: c.1394del, p.Gly465fs (NM_001145903.3); c.1148del, p.Gly383fs (NM_001178063.3); c.1052del, p.Gly351fs (NM_001282457.2); c.1703del, p.Gly568fs (NM_001282458.2); short protein forms G383fs, G597fs, G351fs, G465fs, G568fs.
Identifiers: ClinVar variation 4712064 (VCV004712064.1).

ClinVar aggregate classification (germline): Pathogenic (1 of 4 stars; one submission).

Submission:

Labcorp Genetics (formerly Invitae), Labcorp
Classification: Pathogenic. Last evaluated: 2025-01-30. Review status: criteria provided, single submitter. Criteria: Invitae Variant Classification Sherloc (09022015). Collection method: clinical testing. Allele origin: germline.
Comment: This sequence change creates a premature translational stop signal (p.Gly597Alafs*12) in the C2 gene. It is expected to result in an absent or disrupted protein product. Loss-of-function variants in C2 are known to be pathogenic (PMID: 1577763, 9616367). This variant is not present in population databases (gnomAD no frequency). This variant has not been reported in the literature in individuals affected with C2-related conditions. For these reasons, this variant has been classified as Pathogenic.

Literature cited by the submitters: PubMed 1577763; PubMed 9616367.